The following is an entry in ClinVar:

ClinVar aggregate classification (germline): Likely benign (1 of 4 stars; one submission).

Conditions:
SIM1-related disorder. Also called: SIM1-related disorders; SIM1-related condition.

gnomAD v4.1: 1 of 1,613,786 alleles (0.000062%); highest among the groups gnomAD compares: Admixed American, 0.0017%; no homozygotes.

Submission:

PreventionGenetics, part of Exact Sciences
Classification: Likely benign for SIM1-related condition. Last evaluated: 2025-10-20. Review status: criteria provided, single submitter. Criteria: ACMG Guidelines, 2015. Collection method: clinical testing. Allele origin: germline.
Comment: This variant is classified as likely benign based on ACMG/AMP sequence variant interpretation guidelines (Richards et al. 2015 PMID: 25741868, with internal and published modifications).

NM_005068.3(SIM1):c.363A>T (p.Gly121=)

Gene: SIM1 (SIM bHLH transcription factor 1; minus strand). Cytogenetic location: 6q16.3.
Variant type: single nucleotide variant.
Coding change: c.363A>T on transcript NM_005068.3 (MANE Select); coding-DNA position 363, A replaced by T.
Protein change: p.Gly121=; no amino-acid change (glycine 121 retained).
Molecular consequence: synonymous variant.
Genome position (GRCh38, 1-based): chr6:100,449,685, T>A on the plus strand (A>T on the coding strand, the complement: SIM1 is on the minus strand). VCF-style: chr6-100449685-T-A. GRCh37 (hg19) VCF-style: chr6-100897561-T-A.
Other names: c.363A>T, p.Gly121= (NM_001374769.1).
Identifiers: ClinVar variation 4996609 (VCV004996609.1).